The following is an entry in ClinVar:

ClinVar aggregate classification (germline): Uncertain significance (1 of 4 stars; one submission).

Conditions:
Encephalopathy, acute, infection-induced (herpes-specific), susceptibility to, 6. Also called: Herpes simplex encephalitis, susceptibility to, 4. Identifiers: Orphanet 1930, MedGen C3553869, MONDO:0013921, OMIM 614850.

Allele frequency attached by ClinVar (database versions not stated): ExAC 0.00001; gnomAD 0.00001.

Submission:

Labcorp Genetics (formerly Invitae), Labcorp
Classification: Uncertain significance for Encephalopathy, acute, infection-induced (herpes-specific), susceptibility to, 6. Last evaluated: 2019-11-14. Review status: criteria provided, single submitter. Criteria: Invitae Variant Classification Sherloc (09022015). Collection method: clinical testing. Allele origin: germline.
Comment: In summary, the available evidence is currently insufficient to determine the role of this variant in disease. Therefore, it has been classified as a Variant of Uncertain Significance. Algorithms developed to predict the effect of missense changes on protein structure and function output the following: SIFT: "Tolerated"; PolyPhen-2: "Benign"; Align-GVGD: "Class C0". The histidine amino acid residue is found in multiple mammalian species, suggesting that this missense change does not adversely affect protein function. These predictions have not been confirmed by published functional studies and their clinical significance is uncertain. This sequence change replaces arginine with histidine at codon 222 of the TICAM1 protein (p.Arg222His). The arginine residue is weakly conserved and there is a small physicochemical difference between arginine and histidine. This variant is present in population databases (rs775445910, ExAC 0.008%). This variant has not been reported in the literature in individuals with TICAM1-related conditions.

NM_182919.4(TICAM1):c.665G>A (p.Arg222His)

Gene: TICAM1 (TIR domain containing adaptor molecule 1; minus strand). Cytogenetic location: 19p13.3.
Variant type: single nucleotide variant.
Coding change: c.665G>A on transcript NM_182919.4 (MANE Select); coding-DNA position 665, G replaced by A.
Protein change: p.Arg222His; replaces arginine 222 with histidine.
Molecular consequence: missense variant.
Genome position (GRCh38, 1-based): chr19:4,817,713, C>T on the plus strand (G>A on the coding strand, the complement: TICAM1 is on the minus strand). VCF-style: chr19-4817713-C-T. GRCh37 (hg19) VCF-style: chr19-4817725-C-T.
Other names: short protein forms R222H.
Identifiers: ClinVar variation 943073 (VCV000943073.10), dbSNP rs775445910, ClinGen allele CA9105307.